The following is an entry in ClinVar:

ClinVar aggregate classification (germline): Benign. Review status: criteria provided, single submitter (1 of 4 stars). 2 submissions from 2 submitters: Benign (1). 1 of the submissions does not count toward it. Last evaluated 2025-10-29.

Conditions:
Holoprosencephaly 3 (HPE3). Identifiers: Orphanet 2162, MedGen C1840529, MONDO:0007733, OMIM 142945.
SHH-related disorder. Also called: SHH-related condition; SHH-related disorders.

Allele frequency attached by ClinVar (database versions not stated): gnomAD 0.00001; TOPMed 0.00001; gnomAD exomes 0.00004; ExAC 0.00050.
gnomAD v4.1: 64 of 1,578,280 alleles (0.0041%); highest among the groups gnomAD compares: South Asian, 0.05%; 1 homozygote.

Submissions (2):

Labcorp Genetics (formerly Invitae), Labcorp
Classification: Benign for Holoprosencephaly 3. Last evaluated: 2025-10-29. Review status: criteria provided, single submitter. Criteria: Invitae Variant Classification Sherloc (09022015). Collection method: clinical testing. Allele origin: germline.

PreventionGenetics, part of Exact Sciences
Classification: Likely benign for SHH-related condition. Last evaluated: 2019-06-18. Review status: no assertion criteria provided. Collection method: clinical testing. Allele origin: germline. Not counted in ClinVar's aggregate classification.
Comment: This variant is classified as likely benign based on ACMG/AMP sequence variant interpretation guidelines (Richards et al. 2015 PMID: 25741868, with internal and published modifications).

NM_000193.4(SHH):c.780G>A (p.Pro260=)

Gene: SHH (sonic hedgehog signaling molecule; minus strand). Cytogenetic location: 7q36.3.
Variant type: single nucleotide variant.
Coding change: c.780G>A on transcript NM_000193.4 (MANE Select); coding-DNA position 780, G replaced by A.
Protein change: p.Pro260=; no amino-acid change (proline 260 retained).
Molecular consequence: synonymous variant. On other transcripts: intron variant (1).
Genome position (GRCh38, 1-based): chr7:155,803,509, C>T on the plus strand (G>A on the coding strand, the complement: SHH is on the minus strand). VCF-style: chr7-155803509-C-T. GRCh37 (hg19) VCF-style: chr7-155596203-C-T.
Other names: c.301+2787G>A (NM_001310462.2); c.780G>A (NM_000193.3).
Identifiers: ClinVar variation 2902943 (VCV002902943.5), dbSNP rs767639456, ClinGen allele CA4586948.